The following is an entry in ClinVar:

NM_000057.4(BLM):c.2725C>T (p.Gln909Ter)

Gene: BLM (BLM RecQ like helicase; plus strand). Cytogenetic location: 15q26.1.
Variant type: single nucleotide variant.
Coding change: c.2725C>T on transcript NM_000057.4 (MANE Select); coding-DNA position 2725, C replaced by T.
Protein change: p.Gln909Ter; replaces glutamine 909 with a stop codon.
Molecular consequence: nonsense.
Genome position (GRCh38, 1-based): chr15:90,784,983, C>T. VCF-style: chr15-90784983-C-T. GRCh37 (hg19) VCF-style: chr15-91328213-C-T.
Other names: c.2725C>T (NM_000057.2); c.2725C>T, p.Gln909Ter (NM_001287246.2, NM_001287247.2); c.1600C>T, p.Gln534Ter (NM_001287248.2); short protein forms Q534*, Q909*.
Identifiers: ClinVar variation 1454098 (VCV001454098.10), dbSNP rs1456964727, ClinGen allele CA393845976.

ClinVar aggregate classification (germline): Pathogenic. Review status: criteria provided, multiple submitters, no conflicts (2 of 4 stars). 3 submissions from 3 submitters: Pathogenic (3). Last evaluated 2026-04-17.

Conditions:
Hereditary cancer-predisposing syndrome. Also called: Neoplastic Syndromes, Hereditary; Tumor predisposition; Hereditary Cancer Syndrome; Hereditary neoplastic syndrome. Identifiers: Orphanet 140162, MedGen C0027672, MeSH D009386, MONDO:0015356.
Bloom syndrome (BLM). Also called: Bloom-Torre-Machacek syndrome. Identifiers: Orphanet 125, MedGen C0005859, MONDO:0008876, OMIM 210900.

gnomAD v4.1: 1 of 1,614,136 alleles (0.000062%); highest among the groups gnomAD compares: Non-Finnish European, 0.000085%; no homozygotes.

Submissions (3):

Myriad Genetics, Inc.
Classification: Pathogenic for Bloom syndrome. Last evaluated: 2026-04-17. Review status: criteria provided, single submitter. Criteria: Myriad Autosomal Dominant, Autosomal Recessive and X-Linked Classification Criteria (2023). Collection method: clinical testing. Allele origin: unknown.
Comment: This variant is considered pathogenic. This variant creates a termination codon and is predicted to result in premature protein truncation.

Ambry Genetics
Classification: Pathogenic for Hereditary cancer-predisposing syndrome. Last evaluated: 2024-08-29. Review status: criteria provided, single submitter. Criteria: Ambry Variant Classification Scheme 2023. Collection method: clinical testing. Allele origin: germline.
Comment: The p.Q909* pathogenic mutation (also known as c.2725C>T), located in coding exon 13 of the BLM gene, results from a C to T substitution at nucleotide position 2725. This changes the amino acid from a glutamine to a stop codon within coding exon 13. This variant has been identified in conjunction with another BLM variant in an individual diagnosed with Bloom syndrome however clinical details were limited (German J et al. Hum Mutat, 2007 Aug;28:743-53). This variant is considered to be rare based on population cohorts in the Genome Aggregation Database (gnomAD). This alteration is expected to result in loss of function by premature protein truncation or nonsense-mediated mRNA decay. As such, this alteration is interpreted as a disease-causing mutation.

Labcorp Genetics (formerly Invitae), Labcorp
Classification: Pathogenic for Bloom syndrome. Last evaluated: 2021-03-24. Review status: criteria provided, single submitter. Criteria: Invitae Variant Classification Sherloc (09022015). Collection method: clinical testing. Allele origin: germline.
Comment: This sequence change creates a premature translational stop signal (p.Gln909*) in the BLM gene. It is expected to result in an absent or disrupted protein product. Loss-of-function variants in BLM are known to be pathogenic (PMID: 17407155). This variant is not present in population databases (ExAC no frequency). For these reasons, this variant has been classified as Pathogenic. This variant has been observed in individual(s) with Bloom syndrome (PMID: 17407155).

Literature cited by the submitters: PubMed 17407155 (cited by Ambry Genetics and Labcorp Genetics (formerly Invitae), Labcorp).